The following is an entry in ClinVar:

NM_005591.4(MRE11):c.845+4A>C

Gene: MRE11 (MRE11 double strand break repair nuclease; minus strand). Cytogenetic location: 11q21.
Variant type: single nucleotide variant.
Coding change: c.845+4A>C on transcript NM_005591.4 (MANE Select); 4 bases into the intron after coding-DNA position 845, A replaced by C.
Molecular consequence: intron variant.
Genome position (GRCh38, 1-based): chr11:94,471,570, T>G on the plus strand (A>C on the coding strand, the complement: MRE11 is on the minus strand). VCF-style: chr11-94471570-T-G. GRCh37 (hg19) VCF-style: chr11-94204736-T-G.
Other names: c.845+4A>C (NM_001330347.2, NM_005590.4).
Identifiers: ClinVar variation 648896 (VCV000648896.11), dbSNP rs1182959968, ClinGen allele CA601193727.

ClinVar aggregate classification (germline): Uncertain significance. Review status: criteria provided, multiple submitters, no conflicts (2 of 4 stars). 2 submissions from 2 submitters: Uncertain significance (2). Last evaluated 2024-08-27.

Conditions:
Ataxia-telangiectasia-like disorder (ATLD). Identifiers: MedGen C1858391, MONDO:0011457.
Hereditary cancer-predisposing syndrome. Also called: Neoplastic Syndromes, Hereditary; Tumor predisposition; Hereditary Cancer Syndrome; Hereditary neoplastic syndrome. Identifiers: Orphanet 140162, MedGen C0027672, MeSH D009386, MONDO:0015356.

Allele frequency attached by ClinVar (database versions not stated): gnomAD exomes below 0.00001; TOPMed below 0.00001; gnomAD 0.00001.
gnomAD v4.1: 2 of 1,611,910 alleles (0.00012%); highest among the groups gnomAD compares: African/African-American, 0.0027%; no homozygotes.

Submissions (2):

Labcorp Genetics (formerly Invitae), Labcorp
Classification: Uncertain significance for Ataxia-telangiectasia-like disorder. Last evaluated: 2024-08-27. Review status: criteria provided, single submitter. Criteria: Invitae Variant Classification Sherloc (09022015). Collection method: clinical testing. Allele origin: germline.
Comment: This sequence change falls in intron 8 of the MRE11 gene. It does not directly change the encoded amino acid sequence of the MRE11 protein. It affects a nucleotide within the consensus splice site. This variant is present in population databases (no rsID available, gnomAD 0.008%). This variant has not been reported in the literature in individuals affected with MRE11-related conditions. ClinVar contains an entry for this variant (Variation ID: 648896). Variants that disrupt the consensus splice site are a relatively common cause of aberrant splicing (PMID: 17576681, 9536098). Algorithms developed to predict the effect of sequence changes on RNA splicing suggest that this variant may disrupt the consensus splice site. In summary, the available evidence is currently insufficient to determine the role of this variant in disease. Therefore, it has been classified as a Variant of Uncertain Significance.

Ambry Genetics
Classification: Uncertain significance for Hereditary cancer-predisposing syndrome. Last evaluated: 2021-10-29. Review status: criteria provided, single submitter. Criteria: Ambry Variant Classification Scheme 2023. Collection method: clinical testing. Allele origin: germline.
Comment: The c.845+4A>C intronic variant results from an A to C substitution 4 nucleotides after coding exon 7 in the MRE11A gene. This nucleotide position is not well conserved in available vertebrate species. In silico splice site analysis predicts that this alteration may weaken the native splice donor site. Since supporting evidence is limited at this time, the clinical significance of this alteration remains unclear.

Literature cited by the submitters: PubMed 17576681 (cited by Labcorp Genetics (formerly Invitae), Labcorp); PubMed 9536098 (cited by Labcorp Genetics (formerly Invitae), Labcorp).